The following is an entry in ClinVar:

ClinVar aggregate classification (germline): Likely benign. Review status: criteria provided, multiple submitters, no conflicts (2 of 4 stars). 7 submissions from 7 submitters: Likely benign (4). 3 of the submissions do not count toward it. Last evaluated 2024-09-16.

Conditions:
SOX10-related disorder. Also called: SOX10-related condition.

Submissions (7):

Blueprint Genetics
Classification: Likely benign. Last evaluated: 2024-09-16. Review status: criteria provided, single submitter. Criteria: ACMG Guidelines, 2015. Collection method: clinical testing. Allele origin: germline.

Labcorp Genetics (formerly Invitae), Labcorp
Classification: Likely benign. Last evaluated: 2019-12-31. Review status: criteria provided, single submitter. Criteria: Invitae Variant Classification Sherloc (09022015). Collection method: clinical testing. Allele origin: germline.

GeneDx
Classification: Likely benign. Last evaluated: 2018-06-29. Review status: criteria provided, single submitter. Criteria: GeneDx Variant Classification Process June 2021. Collection method: clinical testing. Allele origin: germline. Affected: yes.

Breakthrough Genomics
Classification: Likely benign. Review status: criteria provided, single submitter. Criteria: ACMG Guidelines, 2015. Collection method: not provided. Allele origin: germline. Inheritance: Autosomal dominant inheritance. Affected: yes.

PreventionGenetics, part of Exact Sciences
Classification: Likely benign for SOX10-related condition. Last evaluated: 2020-04-01. Review status: no assertion criteria provided. Collection method: clinical testing. Allele origin: germline. Not counted in ClinVar's aggregate classification.
Comment: This variant is classified as likely benign based on ACMG/AMP sequence variant interpretation guidelines (Richards et al. 2015 PMID: 25741868, with internal and published modifications).

Clinical Genetics DNA and cytogenetics Diagnostics Lab, Erasmus MC, Erasmus Medical Center
Classification: Likely benign. Review status: no assertion criteria provided. Collection method: clinical testing. Allele origin: germline. Affected: yes. Study: VKGL Data-share Consensus. Not counted in ClinVar's aggregate classification.

Genome Diagnostics Laboratory, University Medical Center Utrecht
Classification: Likely benign. Review status: no assertion criteria provided. Collection method: clinical testing. Allele origin: germline. Affected: yes. Study: VKGL Data-share Consensus. Not counted in ClinVar's aggregate classification.

NM_006941.4(SOX10):c.723T>A (p.Pro241=)

Genes: POLR2F (RNA polymerase II, I and III subunit F; plus strand), SOX10 (SRY-box transcription factor 10; minus strand). Cytogenetic location: 22q13.1.
Variant type: single nucleotide variant.
Coding change: c.723T>A on transcript NM_006941.4 (MANE Select); coding-DNA position 723, T replaced by A.
Protein change: p.Pro241=; no amino-acid change (proline 241 retained).
Molecular consequence: synonymous variant. On other transcripts: intron variant (3).
Genome position (GRCh38, 1-based): chr22:37,974,173, A>T on the plus strand (T>A on the coding strand, the complement: SOX10 is on the minus strand). VCF-style: chr22-37974173-A-T. GRCh37 (hg19) VCF-style: chr22-38370180-A-T.
Other names: c.*38+1863A>T (NM_001363825.1); c.293+7003A>T (NM_001301130.2, NM_001301131.2).
Identifiers: ClinVar variation 759071 (VCV000759071.13), dbSNP rs1601879433, ClinGen allele CA514529026.
Genomic context (GRCh38, chr22:37,974,173, plus strand): 5'-GCGCCCGTCCCGCTTCGGGTCTGCCTTGCCCGACTGCAGCTCTGTCTTCGGGGTGGTTGG[A>T]GGGGTGGGTGGGCCATGGCTCTGGCCTGGGTAGAAGGGAGACAGAGAGAGAGAGCGCAAG-3'
Protein context (NP_008872.1, residues 231-251): PSGQSHGPPT[Pro241=]PTTPKTELQS